The following is an entry in ClinVar:

ClinVar aggregate classification (germline): Likely pathogenic (1 of 4 stars; one submission).

Conditions:
Hereditary cancer-predisposing syndrome. Also called: Neoplastic Syndromes, Hereditary; Tumor predisposition; Hereditary Cancer Syndrome; Hereditary neoplastic syndrome. Identifiers: Orphanet 140162, MedGen C0027672, MeSH D009386, MONDO:0015356.

Submission:

Ambry Genetics
Classification: Likely pathogenic for Hereditary cancer-predisposing syndrome. Last evaluated: 2026-06-04. Review status: criteria provided, single submitter. Criteria: Ambry Variant Classification Scheme 2023. Collection method: clinical testing. Allele origin: germline.
Comment: The c.3285-8_3285delGTTTTAAGA variant results from a deletion of 9 nucleotides between positions c.3285-8 and c.3285 and involves the canonical splice acceptor site before coding exon 22 of the ATM gene. This variant is considered to be rare based on population cohorts in the Genome Aggregation Database (gnomAD). The canonical splice acceptor site is highly conserved in available vertebrate species. In silico splice site analysis predicts that this alteration will result in the creation or strengthening of a novel splice acceptor site. RNA studies have demonstrated that this variant results in abnormal splicing in the set of samples tested (Ambry internal data). Variants that disrupt the canonical splice site are expected to cause aberrant splicing, resulting in an abnormal protein or a transcript that is subject to nonsense-mediated mRNA decay. As such, this variant is classified as likely pathogenic.

NM_000051.4(ATM):c.3285-8_3285del

Gene: ATM (ATM serine/threonine kinase; plus strand). Cytogenetic location: 11q22.3.
Variant type: Deletion.
Coding change: c.3285-8_3285del on transcript NM_000051.4 (MANE Select); 8 bases into the intron before coding-DNA position 3285 through coding-DNA position 3285, 9 bases deleted (GTTTTAAGA; older notation c.3285-8_3285delGTTTTAAGA).
Molecular consequence: splice acceptor variant.
Genome position (GRCh38, 1-based): chr11:108,279,483-108,279,491, GTTTTAAGA deleted. VCF-style (leftmost placement, unchanged base first): chr11-108279482-TGTTTTAAGA-T. GRCh37 (hg19) VCF-style: chr11-108150209-TGTTTTAAGA-T.
Other names: c.3285-8_3285del (NM_001351834.2).
Identifiers: ClinVar variation 4867091 (VCV004867091.1).
Genomic context (GRCh38, chr11:108,279,482, plus strand): 5'-TGGAAAGTAGGGTTTGAAATTAGAAAATTATTTCACTTTTTGTTTGTTTGTTTGCTTGCT[TGTTTTAAGA>T]TTGTTCCAGGACACGAAGGGAGATTCTTCCAGGTTACTGAAAGCACTTCCTTTGAAGCTT-3'